The following is an entry in ClinVar:

ClinVar aggregate classification (germline): Uncertain significance (1 of 4 stars; one submission).

Submission:

GeneDx
Classification: Uncertain significance. Last evaluated: 2023-05-28. Review status: criteria provided, single submitter. Criteria: GeneDx Variant Classification Process June 2021. Collection method: clinical testing. Allele origin: germline. Affected: yes.
Comment: Not observed at significant frequency in large population cohorts (gnomAD); In-frame insertion of 1 amino acid in a non-repeat region; Has not been previously published as pathogenic or benign to our knowledge

NM_001318852.2(MAPK8IP3):c.3502_3504dup (p.Ile1168_Ser1169insIle)

Gene: MAPK8IP3 (mitogen-activated protein kinase 8 interacting protein 3; plus strand). Cytogenetic location: 16p13.3.
Variant type: Duplication.
Coding change: c.3502_3504dup on transcript NM_001318852.2 (MANE Select); coding-DNA positions 3502 to 3504, 3 bases duplicated (ATC; older notation c.3502_3504dupATC).
Protein change: p.Ile1168_Ser1169insIle.
Genome position (GRCh38, 1-based): chr16:1,767,897-1,767,899, ATC duplicated; duplicating any 3 consecutive bases within chr16:1,767,895-1,767,899 gives the same sequence; the c. name uses the placement nearest the transcript's 3' end. VCF-style (leftmost placement, unchanged base first): chr16-1767894-G-GTCA. GRCh37 (hg19) VCF-style: chr16-1817895-G-GTCA.
Other names: c.3481_3483dup, p.Ile1161_Ser1162insIle (NM_001040439.2); c.3499_3501dup, p.Ile1167_Ser1168insIle (NM_015133.5).
Identifiers: ClinVar variation 3362039 (VCV003362039.1).